The following is an entry in ClinVar:

NM_000127.3(EXT1):c.146C>G (p.Pro49Arg)

Gene: EXT1 (exostosin glycosyltransferase 1; minus strand). Cytogenetic location: 8q24.11.
Variant type: single nucleotide variant.
Coding change: c.146C>G on transcript NM_000127.3 (MANE Select); coding-DNA position 146, C replaced by G.
Protein change: p.Pro49Arg; replaces proline 49 with arginine.
Molecular consequence: missense variant.
Genome position (GRCh38, 1-based): chr8:118,110,901, G>C on the plus strand (C>G on the coding strand, the complement: EXT1 is on the minus strand). VCF-style: chr8-118110901-G-C. GRCh37 (hg19) VCF-style: chr8-119123140-G-C.
Other names: short protein forms P49R.
Identifiers: ClinVar variation 2675166 (VCV002675166.4), dbSNP rs150846666, ClinGen allele CA4854411.

ClinVar aggregate classification (germline): Uncertain significance. Review status: criteria provided, multiple submitters, no conflicts (2 of 4 stars). 2 submissions from 2 submitters: Uncertain significance (2). Last evaluated 2023-08-01.

Conditions:
Multiple congenital exostosis (EXT). Also called: Multiple osteochondromas; MULTIPLE CARTILAGINOUS EXOSTOSES; Hereditary multiple osteochondromas; Hereditary multiple exostoses; Hereditary multiple exostosis; Multiple exostoses. Identifiers: Orphanet 321, MedGen C0015306, MONDO:0005508, HP:0002762.
Chondrosarcoma. Also called: Chondrosarcoma, somatic. Identifiers: Orphanet 55880, MedGen C0008479, MONDO:0008977, OMIM 215300, HP:0006765.

Allele frequency attached by ClinVar (database versions not stated): gnomAD 0.00001; gnomAD exomes 0.00001; TOPMed 0.00001; ExAC 0.00003; ESP Exome Variant Server 0.00008.
gnomAD v4.1: 19 of 1,613,954 alleles (0.0012%); highest among the groups gnomAD compares: South Asian, 0.0088%; no homozygotes.

Submissions (2):

Baylor Genetics
Classification: Uncertain significance for Chondrosarcoma. Last evaluated: 2023-08-01. Review status: criteria provided, single submitter. Criteria: ACMG Guidelines, 2015. Collection method: clinical testing. Allele origin: unknown.

Labcorp Genetics (formerly Invitae), Labcorp
Classification: Uncertain significance for Multiple congenital exostosis. Last evaluated: 2023-07-29. Review status: criteria provided, single submitter. Criteria: Invitae Variant Classification Sherloc (09022015). Collection method: clinical testing. Allele origin: germline.
Comment: Advanced modeling of protein sequence and biophysical properties (such as structural, functional, and spatial information, amino acid conservation, physicochemical variation, residue mobility, and thermodynamic stability) performed at Invitae indicates that this missense variant is not expected to disrupt EXT1 protein function. This sequence change replaces proline, which is neutral and non-polar, with arginine, which is basic and polar, at codon 49 of the EXT1 protein (p.Pro49Arg). This variant is present in population databases (rs150846666, gnomAD 0.006%). This variant has not been reported in the literature in individuals affected with EXT1-related conditions. In summary, the available evidence is currently insufficient to determine the role of this variant in disease. Therefore, it has been classified as a Variant of Uncertain Significance.